The following is an entry in ClinVar:

NM_001273.5(CHD4):c.2594T>C (p.Ile865Thr)

Gene: CHD4 (chromodomain helicase DNA binding protein 4; minus strand). Cytogenetic location: 12p13.31.
Variant type: single nucleotide variant.
Coding change: c.2594T>C on transcript NM_001273.5 (MANE Select); coding-DNA position 2594, T replaced by C.
Protein change: p.Ile865Thr; replaces isoleucine 865 with threonine.
Molecular consequence: missense variant.
Genome position (GRCh38, 1-based): chr12:6,593,149, A>G on the plus strand (T>C on the coding strand, the complement: CHD4 is on the minus strand). VCF-style: chr12-6593149-A-G. GRCh37 (hg19) VCF-style: chr12-6702315-A-G.
Other names: c.2573T>C, p.Ile858Thr (NM_001297553.2); c.2555T>C, p.Ile852Thr (NM_001363606.2); short protein forms I852T, I858T, I865T.
Identifiers: ClinVar variation 4831826 (VCV004831826.1).
Genomic context (GRCh38, chr12:6,593,149, plus strand): 5'-ACCTTAGACTGATTGTTCTTCAGCCGATGGGCTTCATCCACGATGAGGCAGGCCCAATCA[A>G]TAGAGCCCAAAATAGCCATGTCAATGGTGATCAATTCATAGGATGTCAGCAGCACATGGA-3'
Protein context (NP_001264.2, residues 855-875): ITIDMAILGS[Ile865Thr]DWACLIVDEA

ClinVar aggregate classification (germline): Uncertain significance (1 of 4 stars; one submission).

Conditions:
Inborn genetic diseases. Identifiers: MedGen C0950123, MeSH D030342.

gnomAD v4.1: 1 of 1,614,116 alleles (0.000062%); highest among the groups gnomAD compares: Non-Finnish European, 0.000085%; no homozygotes.

Submission:

Ambry Genetics
Classification: Uncertain significance for Inborn genetic diseases. Last evaluated: 2026-01-26. Review status: criteria provided, single submitter. Criteria: Ambry Variant Classification Scheme 2023. Collection method: clinical testing. Allele origin: germline.
Comment: The c.2594T>C (p.I865T) alteration is located in exon 17 (coding exon 16) of the CHD4 gene. This alteration results from a T to C substitution at nucleotide position 2594, causing the isoleucine (I) at amino acid position 865 to be replaced by a threonine (T). Based on data from gnomAD, the C allele has an overall frequency of 0.003% (1/31410) total alleles studied. The highest observed frequency was 0.007% (1/15436) of European (non-Finnish) alleles. Based on insufficient or conflicting evidence, the clinical significance of this alteration remains unclear.